The following is an entry in ClinVar:

NM_000203.5(IDUA):c.224C>T (p.Ala75Val)

Genes: IDUA (alpha-L-iduronidase; plus strand), SLC26A1 (solute carrier family 26 member 1; minus strand). Cytogenetic location: 4p16.3.
Variant type: single nucleotide variant.
Coding change: c.224C>T on transcript NM_000203.5 (MANE Select); coding-DNA position 224, C replaced by T.
Protein change: p.Ala75Val; replaces alanine 75 with valine.
Molecular consequence: missense variant. On other transcripts: 3 prime UTR variant (2), non-coding transcript variant (1), intron variant (1).
Genome position (GRCh38, 1-based): chr4:987,874, C>T. VCF-style: chr4-987874-C-T. GRCh37 (hg19) VCF-style: chr4-981662-C-T.
Other names: c.*959G>A (NM_022042.4, NM_213613.4); c.576+3254G>A (NM_134425.4); short protein forms A75V.
Identifiers: ClinVar variation 1464729 (VCV001464729.6), dbSNP rs1315260083, ClinGen allele CA355946381.

ClinVar aggregate classification (germline): Likely pathogenic (1 of 4 stars; one submission).

Conditions:
Mucopolysaccharidosis type 1. Also called: Mucopolysaccharidosis Type I; IDUA deficiency; MPS I. Identifiers: Orphanet 579, MedGen C0023786, MONDO:0001586.

Allele frequency attached by ClinVar (database versions not stated): gnomAD exomes below 0.00001.
gnomAD v4.1: 1 of 1,612,154 alleles (0.000062%); highest among the groups gnomAD compares: Admixed American, 0.0017%; no homozygotes.

Submission:

Labcorp Genetics (formerly Invitae), Labcorp
Classification: Likely pathogenic for Mucopolysaccharidosis type 1. Last evaluated: 2021-12-13. Review status: criteria provided, single submitter. Criteria: Invitae Variant Classification Sherloc (09022015). Collection method: clinical testing. Allele origin: germline.
Comment: In summary, the currently available evidence indicates that the variant is pathogenic, but additional data are needed to prove that conclusively. Therefore, this variant has been classified as Likely Pathogenic. This variant disrupts the p.Ala75 amino acid residue in IDUA. Other variant(s) that disrupt this residue have been determined to be pathogenic (PMID: 7550232, 11735025, 16438163, 29843745). This suggests that this residue is clinically significant, and that variants that disrupt this residue are likely to be disease-causing. This sequence change replaces alanine, which is neutral and non-polar, with valine, which is neutral and non-polar, at codon 75 of the IDUA protein (p.Ala75Val). This variant is present in population databases (no rsID available, gnomAD 0.003%). This variant has not been reported in the literature in individuals affected with IDUA-related conditions. Advanced modeling of protein sequence and biophysical properties (such as structural, functional, and spatial information, amino acid conservation, physicochemical variation, residue mobility, and thermodynamic stability) performed at Invitae indicates that this missense variant is expected to disrupt IDUA protein function.

Literature cited by the submitters: PubMed 7550232; PubMed 11735025; PubMed 16438163; PubMed 29843745.